The following is an entry in ClinVar:

NM_001711.6(BGN):c.250G>T (p.Val84Leu)

Gene: BGN (biglycan; plus strand). Cytogenetic location: Xq28.
Variant type: single nucleotide variant.
Coding change: c.250G>T on transcript NM_001711.6 (MANE Select); coding-DNA position 250, G replaced by T.
Protein change: p.Val84Leu; replaces valine 84 with leucine.
Molecular consequence: missense variant.
Genome position (GRCh38, 1-based): chrX:153,505,249, G>T. VCF-style: chrX-153505249-G-T. GRCh37 (hg19) VCF-style: chrX-152770707-G-T.
Other names: c.250G>T (NM_001711.4); short protein forms V84L.
Identifiers: ClinVar variation 1350083 (VCV001350083.9), dbSNP rs202151631, ClinGen allele CA10547178.

ClinVar aggregate classification (germline): Uncertain significance. Review status: criteria provided, multiple submitters, no conflicts (2 of 4 stars). 4 submissions from 4 submitters: Uncertain significance (4). Last evaluated 2025-10-28.

Conditions:
Cardiovascular phenotype. Identifiers: MedGen CN230736.

Allele frequency attached by ClinVar (database versions not stated): ExAC 0.00005.
gnomAD v4.1: 45 of 1,203,286 alleles (0.0037%); highest among the groups gnomAD compares: African/African-American, 0.0053%; no homozygotes.

Submissions (4):

Labcorp Genetics (formerly Invitae), Labcorp
Classification: Uncertain significance. Last evaluated: 2025-10-28. Review status: criteria provided, single submitter. Criteria: Invitae Variant Classification Sherloc (09022015). Collection method: clinical testing. Allele origin: germline.
Comment: This sequence change replaces valine, which is neutral and non-polar, with leucine, which is neutral and non-polar, at codon 84 of the BGN protein (p.Val84Leu). This variant is present in population databases (rs202151631, gnomAD 0.005%). This variant has not been reported in the literature in individuals affected with BGN-related conditions. ClinVar contains an entry for this variant (Variation ID: 1350083). Invitae Evidence Modeling of protein sequence and biophysical properties (such as structural, functional, and spatial information, amino acid conservation, physicochemical variation, residue mobility, and thermodynamic stability) indicates that this missense variant is not expected to disrupt BGN protein function with a negative predictive value of 80%. In summary, the available evidence is currently insufficient to determine the role of this variant in disease. Therefore, it has been classified as a Variant of Uncertain Significance.

Ambry Genetics
Classification: Uncertain significance for Cardiovascular phenotype. Last evaluated: 2024-12-08. Review status: criteria provided, single submitter. Criteria: Ambry Variant Classification Scheme 2023. Collection method: clinical testing. Allele origin: germline.
Comment: The p.V84L variant (also known as c.250G>T), located in coding exon 2 of the BGN gene, results from a G to T substitution at nucleotide position 250. The valine at codon 84 is replaced by leucine, an amino acid with highly similar properties. This amino acid position is conserved. In addition, the in silico prediction for this alteration is inconclusive. Based on the available evidence, the clinical significance of this variant remains unclear.

Clinical Genetics Laboratory, Skane University Hospital Lund
Classification: Uncertain significance. Last evaluated: 2023-06-20. Review status: criteria provided, single submitter. Criteria: ACMG Guidelines, 2015. Collection method: clinical testing. Allele origin: germline. Affected: yes.

Blueprint Genetics
Classification: Uncertain significance. Last evaluated: 2022-10-26. Review status: criteria provided, single submitter. Criteria: ACMG Guidelines, 2015. Collection method: clinical testing. Allele origin: germline.